The following is an entry in ClinVar:

NM_152564.5(VPS13B):c.10722C>G (p.Ile3574Met)

Gene: VPS13B (vacuolar protein sorting 13 homolog B; plus strand). Cytogenetic location: 8q22.2.
Variant type: single nucleotide variant.
Coding change: c.10722C>G on transcript NM_152564.5 (MANE Select); coding-DNA position 10722, C replaced by G.
Protein change: p.Ile3574Met; replaces isoleucine 3574 with methionine.
Molecular consequence: missense variant.
Genome position (GRCh38, 1-based): chr8:99,854,111, C>G. VCF-style: chr8-99854111-C-G. GRCh37 (hg19) VCF-style: chr8-100866339-C-G.
Other names: c.10797C>G, p.Ile3599Met (NM_017890.5); short protein forms I3574M, I3599M.
Identifiers: ClinVar variation 1011368 (VCV001011368.10), dbSNP rs1303747895, ClinGen allele CA371785517.

ClinVar aggregate classification (germline): Uncertain significance (1 of 4 stars; one submission).

Conditions:
Cohen syndrome (COH1). Also called: PEPPER SYNDROME; Cutis verticis gyrata, retinitis pigmentosa, and sensorineural deafness. Identifiers: Orphanet 193, MedGen C0265223, MONDO:0008999, OMIM 216550.

Allele frequency attached by ClinVar (database versions not stated): gnomAD exomes below 0.00001; gnomAD 0.00001; TOPMed 0.00001.
gnomAD v4.1: 2 of 1,613,188 alleles (0.00012%); highest among the groups gnomAD compares: Admixed American, 0.0017%; no homozygotes.

Submission:

Labcorp Genetics (formerly Invitae), Labcorp
Classification: Uncertain significance for Cohen syndrome. Last evaluated: 2022-10-05. Review status: criteria provided, single submitter. Criteria: Invitae Variant Classification Sherloc (09022015). Collection method: clinical testing. Allele origin: germline.
Comment: This sequence change replaces isoleucine, which is neutral and non-polar, with methionine, which is neutral and non-polar, at codon 3599 of the VPS13B protein (p.Ile3599Met). This variant is not present in population databases (gnomAD no frequency). This variant has not been reported in the literature in individuals affected with VPS13B-related conditions. ClinVar contains an entry for this variant (Variation ID: 1011368). Advanced modeling of protein sequence and biophysical properties (such as structural, functional, and spatial information, amino acid conservation, physicochemical variation, residue mobility, and thermodynamic stability) performed at Invitae indicates that this missense variant is expected to disrupt VPS13B protein function. In summary, the available evidence is currently insufficient to determine the role of this variant in disease. Therefore, it has been classified as a Variant of Uncertain Significance.